The following is an entry in ClinVar:

ClinVar aggregate classification (germline): Uncertain significance (1 of 4 stars; one submission).

Allele frequency attached by ClinVar (database versions not stated): gnomAD exomes below 0.00001.
gnomAD v4.1: 3 of 1,613,564 alleles (0.00019%); highest among the groups gnomAD compares: Non-Finnish European, 0.00017%; no homozygotes.

Submission:

Labcorp Genetics (formerly Invitae), Labcorp
Classification: Uncertain significance. Last evaluated: 2022-05-07. Review status: criteria provided, single submitter. Criteria: Invitae Variant Classification Sherloc (09022015). Collection method: clinical testing. Allele origin: germline.
Comment: In summary, the available evidence is currently insufficient to determine the role of this variant in disease. Therefore, it has been classified as a Variant of Uncertain Significance. Variants that disrupt the consensus splice site are a relatively common cause of aberrant splicing (PMID: 17576681, 9536098). Algorithms developed to predict the effect of sequence changes on RNA splicing suggest that this variant may disrupt the consensus splice site. This variant has not been reported in the literature in individuals affected with IFT27-related conditions. This variant is not present in population databases (gnomAD no frequency). This sequence change affects codon 57 of the IFT27 mRNA. It is a 'silent' change, meaning that it does not change the encoded amino acid sequence of the IFT27 protein. This variant also falls at the last nucleotide of exon 3, which is part of the consensus splice site for this exon.

Literature cited by the submitters: PubMed 17576681; PubMed 9536098.

NM_001177701.3(IFT27):c.174G>C (p.Val58=)

Gene: IFT27 (intraflagellar transport 27; minus strand). Cytogenetic location: 22q12.3.
Variant type: single nucleotide variant.
Coding change: c.174G>C on transcript NM_001177701.3 (MANE Select); coding-DNA position 174, G replaced by C.
Protein change: p.Val58=; no amino-acid change (valine 58 retained).
Molecular consequence: synonymous variant.
Genome position (GRCh38, 1-based): chr22:36,767,306, C>G on the plus strand (G>C on the coding strand, the complement: IFT27 is on the minus strand). VCF-style: chr22-36767306-C-G. GRCh37 (hg19) VCF-style: chr22-37163350-C-G.
Other names: c.174G>C, p.Val58= (NM_001363003.2); c.171G>C, p.Val57= (NM_006860.5).
Identifiers: ClinVar variation 2134906 (VCV002134906.4), dbSNP rs2517829310, ClinGen allele CA514362519.